The following is an entry in ClinVar:

NM_000388.4(CASR):c.878G>A (p.Trp293Ter)

Gene: CASR (calcium sensing receptor; plus strand). Cytogenetic location: 3q21.1.
Variant type: single nucleotide variant.
Coding change: c.878G>A on transcript NM_000388.4 (MANE Select); coding-DNA position 878, G replaced by A.
Protein change: p.Trp293Ter; replaces tryptophan 293 with a stop codon.
Molecular consequence: nonsense.
Genome position (GRCh38, 1-based): chr3:122,261,913, G>A. VCF-style: chr3-122261913-G-A. GRCh37 (hg19) VCF-style: chr3-121980760-G-A.
Other names: c.878G>A, p.Trp293Ter (NM_001178065.2); short protein forms W293*.
Identifiers: ClinVar variation 2941749 (VCV002941749.3), dbSNP rs2473226965, ClinGen allele CA354151544.

ClinVar aggregate classification (germline): Pathogenic (1 of 4 stars; one submission).

Conditions:
Familial hypocalciuric hypercalcemia (FHH). Also called: Familial benign hypercalcemia. Identifiers: Orphanet 405, MedGen C1809471, MONDO:0018458.
Autosomal dominant hypocalcemia 1 (HYPOC1). Also called: HYPOCALCEMIA, FAMILIAL. Identifiers: MedGen C3715128, MONDO:0011013, OMIM 601198.

Allele frequency attached by ClinVar (database versions not stated): gnomAD exomes below 0.00001.
gnomAD v4.1: 2 of 1,614,176 alleles (0.00012%); highest among the groups gnomAD compares: Non-Finnish European, 0.00017%; no homozygotes.

Submission:

Labcorp Genetics (formerly Invitae), Labcorp
Classification: Pathogenic for Familial hypocalciuric hypercalcemia; Autosomal dominant hypocalcemia 1. Last evaluated: 2022-11-23. Review status: criteria provided, single submitter. Criteria: Invitae Variant Classification Sherloc (09022015). Collection method: clinical testing. Allele origin: germline.
Comment: For these reasons, this variant has been classified as Pathogenic. This premature translational stop signal has been observed in individual(s) with hypercalcemia (PMID: 32386559). This variant is not present in population databases (gnomAD no frequency). This sequence change creates a premature translational stop signal (p.Trp293*) in the CASR gene. It is expected to result in an absent or disrupted protein product. Loss-of-function variants in CASR are known to be pathogenic (PMID: 11807402, 14985373, 22422767).

Literature cited by the submitters: PubMed 32386559; PubMed 11807402; PubMed 14985373; PubMed 22422767.